The following is an entry in ClinVar:

NM_033380.3(COL4A5):c.3958C>T (p.Pro1320Ser)

Gene: COL4A5 (collagen type IV alpha 5 chain; plus strand). Cytogenetic location: Xq22.3.
Variant type: single nucleotide variant.
Coding change: c.3958C>T on transcript NM_033380.3 (MANE Select); coding-DNA position 3958, C replaced by T.
Protein change: p.Pro1320Ser; replaces proline 1320 with serine.
Molecular consequence: missense variant.
Genome position (GRCh38, 1-based): chrX:108,680,694, C>T. VCF-style: chrX-108680694-C-T. GRCh37 (hg19) VCF-style: chrX-107923924-C-T.
Other names: c.3940C>T, p.Pro1314Ser (NM_000495.5); short protein forms P1314S, P1320S.
Identifiers: ClinVar variation 447208 (VCV000447208.15), dbSNP rs754836509, ClinGen allele CA10489254.
Genomic context (GRCh38, chrX:108,680,694, plus strand): 5'-CCTCGCTGCAATTTTTTTGTAACATTAATGATTTTATTTATTCAGGGTAATCCTGGCCGG[C>T]CGGGTCTCAATGGAATGAAAGGAGATCCTGGTCTCCCTGGTGTTCCAGGATTCCCAGGTA-3'
Protein context (NP_203699.1, residues 1310-1330): PPGLQGNPGR[Pro1320Ser]GLNGMKGDPG

ClinVar aggregate classification (germline): Conflicting classifications of pathogenicity. Review status: criteria provided, conflicting classifications (1 of 4 stars). 5 submissions from 5 submitters: Uncertain significance (3); Benign (1); Likely benign (1). Last evaluated 2026-02-02.

Conditions:
X-linked Alport syndrome (ATS1). Also called: COL4A5-Related Nephropathy; NEPHROPATHY AND DEAFNESS, X-LINKED. Identifiers: Orphanet 63, Orphanet 88917, MedGen C4746986, MONDO:0010520, OMIM 301050.

Allele frequency attached by ClinVar (database versions not stated): gnomAD 0.00013 and 0.00016; gnomAD exomes 0.00013 and 0.00032; TOPMed 0.00023; ExAC 0.00033; 1000 Genomes Project 0.00053; 1000 Genomes Project 30x 0.00062.
gnomAD v4.1: 156 of 1,207,663 alleles (0.013%); highest among the groups gnomAD compares: East Asian, 0.41%; no homozygotes.

Submissions (5):

Labcorp Genetics (formerly Invitae), Labcorp
Classification: Benign. Last evaluated: 2026-02-02. Review status: criteria provided, single submitter. Criteria: Invitae Variant Classification Sherloc (09022015). Collection method: clinical testing. Allele origin: germline.

Blueprint Genetics
Classification: Likely benign. Last evaluated: 2024-03-08. Review status: criteria provided, single submitter. Criteria: ACMG Guidelines, 2015. Collection method: clinical testing. Allele origin: germline.

Department of Nephrology, Rheumatology and Immunology, Shanghai Children's Hospital
Classification: Uncertain significance for X-linked Alport syndrome. Last evaluated: 2022-02-03. Review status: criteria provided, single submitter. Criteria: ACMG Guidelines, 2015. Collection method: clinical testing. Allele origin: maternal. Affected: yes. Observed: 1 variant allele.
Comment: The NM_000495.5(COL4A5):c.3940C>T (p.Pro1314Ser) is a missense variant in COL4A5. This variant is reported to have an extremely low frequency in the gnomAD v3.1.2 (GRCh38) population database (PM2). In summary, this variant meets criteria to be classified as Uncertain Significance for Alport syndrome based on the ACMG/AMP 2015 criteria applied: PM2, PP1, PP4.

Athena Diagnostics
Classification: Uncertain significance. Last evaluated: 2017-03-06. Review status: criteria provided, single submitter. Criteria: Athena Diagnostics Criteria. Collection method: clinical testing. Allele origin: germline.

Precision Medicine Center, Zhengzhou University
Classification: Uncertain significance for X-linked Alport syndrome. Review status: criteria provided, single submitter. Criteria: ACMG Guidelines, 2015. Collection method: research. Allele origin: germline. Affected: yes.
Comment: PM1:Located in a mutational hot spot PP3:Multiple lines of computational evidence support a deleterious effect on the gene or gene product

Literature cited by the submitters: PubMed 14993485 (cited by Athena Diagnostics).